The following is an entry in ClinVar:

NM_018238.4(AGK):c.803C>A (p.Thr268Asn)

Gene: AGK (acylglycerol kinase; plus strand). Cytogenetic location: 7q34.
Variant type: single nucleotide variant.
Coding change: c.803C>A on transcript NM_018238.4 (MANE Select); coding-DNA position 803, C replaced by A.
Protein change: p.Thr268Asn; replaces threonine 268 with asparagine.
Molecular consequence: missense variant.
Genome position (GRCh38, 1-based): chr7:141,641,324, C>A. VCF-style: chr7-141641324-C-A. GRCh37 (hg19) VCF-style: chr7-141341124-C-A.
Other names: c.803C>A, p.Thr268Asn (NM_001364948.3); short protein forms T268N.
Identifiers: ClinVar variation 214068 (VCV000214068.14), dbSNP rs142779190, ClinGen allele CA320970.
Genomic context (GRCh38, chr7:141,641,324, plus strand): 5'-ATCAAGCCTCTATCTCATACACGGGACCTACAGAGAGACCTCCCAATGAACCAGAGGAGA[C>A]CCCTGTACAAAGGCCTTCTTTGTACAGGAGAATATTACGAAGGCTTGCGTCCTACTGGGC-3'
Protein context (NP_060708.1, residues 258-278): TERPPNEPEE[Thr268Asn]PVQRPSLYRR

ClinVar aggregate classification (germline): Conflicting classifications of pathogenicity. Review status: criteria provided, conflicting classifications (1 of 4 stars). 6 submissions from 5 submitters: Uncertain significance (3); Likely benign (2). 1 of the submissions does not count toward it. Last evaluated 2024-11-25.

Conditions:
Inborn genetic diseases. Identifiers: MedGen C0950123, MeSH D030342.
Sengers syndrome. Also called: Cardiomyopathy and cataract; MITOCHONDRIAL DNA DEPLETION SYNDROME 10 (CARDIOMYOPATHIC TYPE). Identifiers: Orphanet 1369, MedGen C1859317, MONDO:0008922, OMIM 212350.
Cataract 38. Also called: Cataract, autosomal recessive congenital 5; Cataract 38, autosomal recessive. Identifiers: Orphanet 91492, MedGen C3553494, MONDO:0013859, OMIM 614691.

Allele frequency attached by ClinVar (database versions not stated): 1000 Genomes Project 30x 0.00078; 1000 Genomes Project 0.00100; TOPMed 0.00102; gnomAD exomes 0.00104 and 0.00154; ExAC 0.00106; gnomAD 0.00113 and 0.00115; ESP Exome Variant Server 0.00115.
gnomAD v4.1: 2,403 of 1,613,910 alleles (0.15%); highest among the groups gnomAD compares: Middle Eastern, 0.3%; 3 homozygotes.

Submissions (6):

Blueprint Genetics
Classification: Likely benign. Last evaluated: 2024-11-25. Review status: criteria provided, single submitter. Criteria: ACMG Guidelines, 2015. Collection method: clinical testing. Allele origin: germline.

Labcorp Genetics (formerly Invitae), Labcorp
Classification: Uncertain significance for Sengers syndrome; Cataract 38. Last evaluated: 2022-10-13. Review status: criteria provided, single submitter. Criteria: Invitae Variant Classification Sherloc (09022015). Collection method: clinical testing. Allele origin: germline.
Comment: This sequence change replaces threonine, which is neutral and polar, with asparagine, which is neutral and polar, at codon 268 of the AGK protein (p.Thr268Asn). This variant is present in population databases (rs142779190, gnomAD 0.1%), and has an allele count higher than expected for a pathogenic variant. This variant has not been reported in the literature in individuals affected with AGK-related conditions. ClinVar contains an entry for this variant (Variation ID: 214068). Advanced modeling of protein sequence and biophysical properties (such as structural, functional, and spatial information, amino acid conservation, physicochemical variation, residue mobility, and thermodynamic stability) performed at Invitae indicates that this missense variant is not expected to disrupt AGK protein function. In summary, the available evidence is currently insufficient to determine the role of this variant in disease. Therefore, it has been classified as a Variant of Uncertain Significance.

Ambry Genetics
Classification: Likely benign for Inborn genetic diseases. Last evaluated: 2021-11-05. Review status: criteria provided, single submitter. Criteria: Ambry Variant Classification Scheme 2023. Collection method: clinical testing. Allele origin: germline.

Illumina Laboratory Services, Illumina
Classification: Uncertain significance for Cataract 38. Last evaluated: 2017-04-27. Review status: criteria provided, single submitter. Criteria: ICSL Variant Classification Criteria 13 December 2019. Collection method: clinical testing. Allele origin: germline.

Illumina Laboratory Services, Illumina
Classification: Uncertain significance for Sengers syndrome. Last evaluated: 2017-04-27. Review status: criteria provided, single submitter. Criteria: ICSL Variant Classification Criteria 13 December 2019. Collection method: clinical testing. Allele origin: germline.

Mayo Clinic Laboratories, Mayo Clinic
Classification: Uncertain significance. Last evaluated: 2016-03-08. Review status: no assertion criteria provided. Collection method: clinical testing. Allele origin: unknown. Not counted in ClinVar's aggregate classification.